The following is an entry in ClinVar:

ClinVar aggregate classification (germline): Likely benign (1 of 4 stars; one submission).

gnomAD v4.1: 11 of 1,614,116 alleles (0.00068%); highest among the groups gnomAD compares: Non-Finnish European, 0.00093%; no homozygotes.

Submission:

CeGaT Center for Human Genetics Tuebingen
Classification: Likely benign. Last evaluated: 2026-07-01. Review status: criteria provided, single submitter. Criteria: CeGaT Center For Human Genetics Tuebingen Variant Classification Criteria Version 2. Collection method: clinical testing. Allele origin: germline. Affected: yes. Observed: 1 variant allele.
Comment: ZNF750: BP4

NM_024702.3(ZNF750):c.542C>G (p.Thr181Arg)

Genes: TBCD (tubulin folding cofactor D), ZNF750 (zinc finger protein 750; minus strand). Cytogenetic location: 17q25.3.
Variant type: single nucleotide variant.
Coding change: c.542C>G on transcript NM_024702.3 (MANE Select); coding-DNA position 542, C replaced by G.
Protein change: p.Thr181Arg; replaces threonine 181 with arginine.
Molecular consequence: missense variant. On other transcripts: intron variant (5).
Genome position (GRCh38, 1-based): chr17:82,831,913, G>C on the plus strand (C>G on the coding strand, the complement: ZNF750 is on the minus strand). VCF-style: chr17-82831913-G-C. GRCh37 (hg19) VCF-style: chr17-80789789-G-C.
Other names: c.1318+16979G>C (NM_005993.5, NM_001411102.1, NM_001437989.1); c.1267+16979G>C (NM_001411101.1); c.1129+16979G>C (NM_001438250.1); short protein forms T181R.
Identifiers: ClinVar variation 5038685 (VCV005038685.1).